The following is an entry in ClinVar:

NM_001378615.1(CC2D2A):c.896del (p.Lys299fs)

Genes: CC2D2A (coiled-coil and C2 domain containing 2A; plus strand), FBXL5 (F-box and leucine rich repeat protein 5; minus strand). Cytogenetic location: 4p15.32.
Variant type: Deletion.
Coding change: c.896del on transcript NM_001378615.1 (MANE Select); coding-DNA position 896, one base deleted (A; older notation c.896delA).
Protein change: p.Lys299fs; shifts the reading frame from lysine 299.
Molecular consequence: frameshift variant.
Genome position (GRCh38, 1-based): chr4:15,515,883, A deleted; the last of 5 consecutive A bases (chr4:15,515,879-15,515,883); deleting any one gives the same sequence. VCF-style (leftmost placement, unchanged base first): chr4-15515878-TA-T. GRCh37 (hg19) VCF-style: chr4-15517501-TA-T.
Other names: c.896del, p.Lys299fs (NM_001080522.2); c.749del, p.Lys250fs (NM_001378617.1); short protein forms K250fs, K299fs.
Identifiers: ClinVar variation 5012778 (VCV005012778.1).

ClinVar aggregate classification (germline): Pathogenic (1 of 4 stars; one submission).

Conditions:
Joubert syndrome and related disorders. Identifiers: Orphanet 140874, MedGen C5679612, MONDO:0015369.

Submission:

Myriad Genetics, Inc.
Classification: Pathogenic for Joubert syndrome and related disorders. Last evaluated: 2024-02-26. Review status: criteria provided, single submitter. Criteria: Myriad Autosomal Dominant, Autosomal Recessive and X-Linked Classification Criteria (2023). Collection method: clinical testing. Allele origin: unknown.
Comment: NM_001080522.2(CC2D2A):c.896delA(K299Sfs*20) is expected to be pathogenic in the context of CC2D2A-related disorders. This variant is predicted to lead to an abnormal or absent protein product due to the creation of a premature termination codon in CC2D2A, a gene where loss-of-function variants are known to be pathogenic. Please note: this variant was assessed in the context of healthy population screening.